The following is an entry in ClinVar:

NM_198428.3(BBS9):c.1468del (p.Tyr490fs)

Gene: BBS9 (Bardet-Biedl syndrome 9; plus strand). Cytogenetic location: 7p14.3.
Variant type: Deletion.
Coding change: c.1468del on transcript NM_198428.3 (MANE Select); coding-DNA position 1468, one base deleted (T; older notation c.1468delT).
Protein change: p.Tyr490fs; shifts the reading frame from tyrosine 490.
Molecular consequence: frameshift variant. On other transcripts: non-coding transcript variant (3), intron variant (5).
Genome position (GRCh38, 1-based): chr7:33,351,254, T deleted; the last of 3 consecutive T bases (chr7:33,351,252-33,351,254); deleting any one gives the same sequence. VCF-style (leftmost placement, unchanged base first): chr7-33351251-GT-G. GRCh37 (hg19) VCF-style: chr7-33390863-GT-G.
Other names: c.1468del, p.Tyr490fs (NM_001033605.2, NM_001348036.1, NM_001348041.4 and 2 more transcripts); c.1102del, p.Tyr368fs (NM_001348037.3, NM_001348045.3, NM_001348046.3); c.1195del, p.Tyr399fs (NM_001348038.3); c.1333del, p.Tyr445fs (NM_001348042.3); c.1160-1605del (NM_001348039.3); c.1433-1605del (NM_001033604.2); c.1432+2084del (NM_014451.4, NM_001348040.3); c.1067-1605del (NM_001348044.3); and 1 more; short protein forms Y368fs, Y399fs, Y445fs, Y490fs.
Identifiers: ClinVar variation 1175009 (VCV001175009.6), dbSNP rs1454474832, ClinGen allele CA573743613.
Genomic context (GRCh38, chr7:33,351,251, plus strand): 5'-ATTTATATTATTTTTACATTGCTTATAGCACCAGATTTGACTAGAACAGTAAGCTTTTCT[GT>G]TTATCTGAAAAGAAGTTATACACCATCAGAATTGGAAGGAAATGCTGTTGTTTCTTATTC-3'

ClinVar aggregate classification (germline): Likely pathogenic. Review status: criteria provided, single submitter (1 of 4 stars). 4 submissions from 4 submitters: Likely pathogenic (1). 3 of the submissions do not count toward it. Last evaluated 2022-02-08.

Conditions:
BBS9-related disorder. Also called: BBS9-related condition.
Bardet-Biedl syndrome 9 (BBS9). Identifiers: Orphanet 110, MedGen C1859567, MONDO:0014437, OMIM 615986.

Submissions (4):

Fulgent Genetics
Classification: Likely pathogenic for Bardet-Biedl syndrome 9. Last evaluated: 2022-02-08. Review status: criteria provided, single submitter. Criteria: ACMG Guidelines, 2015. Collection method: clinical testing. Allele origin: unknown.

PreventionGenetics, part of Exact Sciences
Classification: Likely pathogenic for BBS9-related condition. Last evaluated: 2024-02-09. Review status: no assertion criteria provided. Collection method: clinical testing. Allele origin: germline. Not counted in ClinVar's aggregate classification.
Comment: The BBS9 c.1468delT variant is predicted to result in a frameshift and premature protein termination (p.Tyr490Ilefs*2). To our knowledge, this variant has not been reported in individuals with a BBS9-related disease. This variant is reported in 0.0018% of alleles in individuals of European (Non-Finnish) descent in gnomAD. Frameshift variants in BBS9 are expected to be pathogenic. This variant is interpreted as likely pathogenic.

Diagnostic Laboratory, Department of Genetics, University Medical Center Groningen
Classification: Pathogenic. Review status: no assertion criteria provided. Collection method: clinical testing. Allele origin: germline. Affected: yes. Study: VKGL Data-share Consensus. Not counted in ClinVar's aggregate classification.

Genome Diagnostics Laboratory, Amsterdam University Medical Center
Classification: Pathogenic. Review status: no assertion criteria provided. Collection method: clinical testing. Allele origin: germline. Affected: yes. Study: VKGL Data-share Consensus. Not counted in ClinVar's aggregate classification.